The following is an entry in ClinVar:

ClinVar aggregate classification (germline): Likely benign. Review status: criteria provided, multiple submitters, no conflicts (2 of 4 stars). 3 submissions from 3 submitters: Likely benign (3). Last evaluated 2026-01-20.

Conditions:
Autosomal recessive nonsyndromic hearing loss 66 (DFNB66). Also called: Deafness, autosomal recessive 66. Identifiers: Orphanet 90636, MedGen C1857750, MONDO:0012442, OMIM 610212.
Isolated neonatal sclerosing cholangitis (NSC). Also called: Sclerosing cholangitis, neonatal. Identifiers: Orphanet 480556, MedGen C4479344, MONDO:0018816, OMIM 617394.
DCDC2-related disorder. Also called: DCDC2-related condition.

Allele frequency attached by ClinVar (database versions not stated): ExAC 0.00001; gnomAD exomes 0.00001; gnomAD 0.00002; TOPMed 0.00002.
gnomAD v4.1: 20 of 1,609,696 alleles (0.0012%); highest among the groups gnomAD compares: Non-Finnish European, 0.0014%; no homozygotes.

Submissions (3):

PreventionGenetics, part of Exact Sciences
Classification: Likely benign for DCDC2-related condition. Last evaluated: 2026-01-20. Review status: criteria provided, single submitter. Criteria: ACMG Guidelines, 2015. Collection method: clinical testing. Allele origin: germline.
Comment: This variant is classified as likely benign based on ACMG/AMP sequence variant interpretation guidelines (Richards et al. 2015 PMID: 25741868, with internal and published modifications).

Blueprint Genetics
Classification: Likely benign. Last evaluated: 2024-07-24. Review status: criteria provided, single submitter. Criteria: ACMG Guidelines, 2015. Collection method: clinical testing. Allele origin: germline.

Labcorp Genetics (formerly Invitae), Labcorp
Classification: Likely benign for Autosomal recessive nonsyndromic hearing loss 66; Isolated neonatal sclerosing cholangitis. Last evaluated: 2023-01-05. Review status: criteria provided, single submitter. Criteria: Invitae Variant Classification Sherloc (09022015). Collection method: clinical testing. Allele origin: germline.

NM_016356.5(DCDC2):c.1326+9A>G

Gene: DCDC2 (doublecortin domain containing 2; minus strand). Cytogenetic location: 6p22.3.
Variant type: single nucleotide variant.
Coding change: c.1326+9A>G on transcript NM_016356.5 (MANE Select); 9 bases into the intron after coding-DNA position 1326, A replaced by G.
Molecular consequence: intron variant.
Genome position (GRCh38, 1-based): chr6:24,178,321, T>C on the plus strand (A>G on the coding strand, the complement: DCDC2 is on the minus strand). VCF-style: chr6-24178321-T-C. GRCh37 (hg19) VCF-style: chr6-24178549-T-C.
Other names: c.1326+9A>G (NM_001195610.2, NM_016356.4).
Identifiers: ClinVar variation 2926257 (VCV002926257.5), dbSNP rs752452396, ClinGen allele CA3654460.